The following is an entry in ClinVar:

NM_032861.4(SERAC1):c.1403+8_1403+9del

Gene: SERAC1 (serine active site containing 1; minus strand). Cytogenetic location: 6q25.3.
Variant type: Microsatellite.
Coding change: c.1403+8_1403+9del on transcript NM_032861.4 (MANE Select); bases 8 to 9 of the intron after coding-DNA position 1403, 2 bases deleted (AG; older notation c.1403+8_1403+9delAG).
Molecular consequence: intron variant.
Genome position (GRCh38, 1-based): chr6:158,117,718-158,117,719, CT deleted on the plus strand (AG on the coding strand, the reverse complement: SERAC1 is on the minus strand); deleting any 2 consecutive bases within chr6:158,117,718-158,117,721 gives the same sequence; the c. name uses the placement nearest the transcript's 3' end. VCF-style (leftmost placement, unchanged base first): chr6-158117717-CCT-C. GRCh37 (hg19) VCF-style: chr6-158538749-CCT-C.
Identifiers: ClinVar variation 4982182 (VCV004982182.1).

ClinVar aggregate classification (germline): Likely benign (1 of 4 stars; one submission).

Conditions:
SERAC1-related disorder. Also called: SERAC1-related disorders; SERAC1-related condition.

Submission:

PreventionGenetics, part of Exact Sciences
Classification: Likely benign for SERAC1-related condition. Last evaluated: 2026-08-17. Review status: criteria provided, single submitter. Criteria: ACMG Guidelines, 2015. Collection method: clinical testing. Allele origin: germline.
Comment: This variant is classified as likely benign based on ACMG/AMP sequence variant interpretation guidelines (Richards et al. 2015 PMID: 25741868, with internal and published modifications).